The following is an entry in ClinVar:

NM_000388.4(CASR):c.2770_2777del (p.Phe924fs)

Gene: CASR (calcium sensing receptor; plus strand). Cytogenetic location: 3q21.1.
Variant type: Deletion.
Coding change: c.2770_2777del on transcript NM_000388.4 (MANE Select); coding-DNA positions 2770 to 2777, 8 bases deleted (TTCCCACA; older notation c.2770_2777delTTCCCACA).
Protein change: p.Phe924fs; shifts the reading frame from phenylalanine 924.
Molecular consequence: frameshift variant.
Genome position (GRCh38, 1-based): chr3:122,284,724-122,284,731, TTCCCACA deleted; deleting any 8 consecutive bases within chr3:122,284,722-122,284,731 gives the same sequence; the c. name uses the placement nearest the transcript's 3' end. VCF-style (leftmost placement, unchanged base first): chr3-122284721-CCATTCCCA-C. GRCh37 (hg19) VCF-style: chr3-122003568-CCATTCCCA-C.
Other names: c.2800_2807del, p.Phe934fs (NM_001178065.2); c.2770_2777delTTCCCACA (NM_000388.3); short protein forms F924fs, F934fs.
Identifiers: ClinVar variation 2634311 (VCV002634311.2), dbSNP rs2473281810, ClinGen allele CA2695199266.

ClinVar aggregate classification (germline): Conflicting classifications of pathogenicity. Review status: criteria provided, conflicting classifications (1 of 4 stars). 2 submissions from 2 submitters: Pathogenic (1); Uncertain significance (1). Last evaluated 2024-06-03.

Conditions:
Nephrolithiasis/nephrocalcinosis. Identifiers: MedGen CN580796.
CASR-related disorder. Also called: CASR-related condition.

Submissions (2):

Ambry Genetics
Classification: Uncertain significance for Nephrolithiasis/nephrocalcinosis. Last evaluated: 2024-06-03. Review status: criteria provided, single submitter. Criteria: Ambry Variant Classification Scheme 2023. Collection method: clinical testing. Allele origin: germline.
Comment: Not expected to trigger nonsense-mediated mRNA decay Based on insufficient or conflicting evidence, the clinical significance of this alteration remains unclear.

PreventionGenetics, part of Exact Sciences
Classification: Pathogenic for CASR-related condition. Last evaluated: 2023-09-06. Review status: criteria provided, single submitter. Criteria: ACMG Guidelines, 2015. Collection method: clinical testing. Allele origin: germline.
Comment: The CASR c.2800_2807del8 variant is predicted to result in a frameshift and premature protein termination (p.Phe934Alafs*54). The normal stop codon is 1089. To our knowledge, this variant has not been reported but is expected to be pathogenic. In fact, many truncating variants nearby in the same exon (the last exon) of the CASR gene have been reported to pathogenic for autosomal dominant hypocalcemia (Human Gene Mutation Database; see for example at Obermannova et al. 2016. PubMed ID: 26764418). This type of truncating variant in the C-tail of the calcium-sensing receptor (CASR) results in gain-of-function. Therefore, we classify this variant as pathogenic.